The following is an entry in ClinVar:

NM_030916.3(NECTIN4):c.1465A>G (p.Asn489Asp)

Gene: NECTIN4 (nectin cell adhesion molecule 4; minus strand). Cytogenetic location: 1q23.3.
Variant type: single nucleotide variant.
Coding change: c.1465A>G on transcript NM_030916.3 (MANE Select); coding-DNA position 1465, A replaced by G.
Protein change: p.Asn489Asp; replaces asparagine 489 with aspartic acid.
Molecular consequence: missense variant.
Genome position (GRCh38, 1-based): chr1:161,072,729, T>C on the plus strand (A>G on the coding strand, the complement: NECTIN4 is on the minus strand). VCF-style: chr1-161072729-T-C. GRCh37 (hg19) VCF-style: chr1-161042519-T-C.
Other names: short protein forms N489D.
Identifiers: ClinVar variation 1013259 (VCV001013259.41), dbSNP rs149401901, ClinGen allele CA1204789.

ClinVar aggregate classification (germline): Uncertain significance. Review status: criteria provided, multiple submitters, no conflicts (2 of 4 stars). 2 submissions from 2 submitters: Uncertain significance (2). Last evaluated 2025-03-07.

Allele frequency attached by ClinVar (database versions not stated): gnomAD exomes 0.00033; gnomAD 0.00037; 1000 Genomes Project 30x 0.00047; 1000 Genomes Project 0.00020; ExAC 0.00029; ESP Exome Variant Server 0.00031; TOPMed 0.00013.
gnomAD v4.1: 532 of 1,614,202 alleles (0.033%); highest among the groups gnomAD compares: Non-Finnish European, 0.031%; no homozygotes.

Submissions (2):

Labcorp Genetics (formerly Invitae), Labcorp
Classification: Uncertain significance. Last evaluated: 2025-03-07. Review status: criteria provided, single submitter. Criteria: Invitae Variant Classification Sherloc (09022015). Collection method: clinical testing. Allele origin: germline.
Comment: This sequence change replaces asparagine, which is neutral and polar, with aspartic acid, which is acidic and polar, at codon 489 of the NECTIN4 protein (p.Asn489Asp). This variant is present in population databases (rs149401901, gnomAD 0.2%). This variant has not been reported in the literature in individuals affected with NECTIN4-related conditions. ClinVar contains an entry for this variant (Variation ID: 1013259). An algorithm developed to predict the effect of missense changes on protein structure and function (PolyPhen-2) suggests that this variant is likely to be disruptive. In summary, the available evidence is currently insufficient to determine the role of this variant in disease. Therefore, it has been classified as a Variant of Uncertain Significance.

CeGaT Center for Human Genetics Tuebingen
Classification: Uncertain significance. Last evaluated: 2021-01-01. Review status: criteria provided, single submitter. Criteria: CeGaT Center For Human Genetics Tuebingen Variant Classification Criteria Version 2. Collection method: clinical testing. Allele origin: germline. Affected: yes. Observed: 1 variant allele.